The following is an entry in ClinVar:

NM_004715.5(CTDP1):c.1290G>A (p.Ala430=)

Gene: CTDP1 (CTD phosphatase subunit 1; plus strand). Cytogenetic location: 18q23.
Variant type: single nucleotide variant.
Coding change: c.1290G>A on transcript NM_004715.5 (MANE Select); coding-DNA position 1290, G replaced by A.
Protein change: p.Ala430=; no amino-acid change (alanine 430 retained).
Molecular consequence: synonymous variant.
Genome position (GRCh38, 1-based): chr18:79,714,750, G>A. VCF-style: chr18-79714750-G-A. GRCh37 (hg19) VCF-style: chr18-77474750-G-A.
Other names: c.933G>A, p.Ala311= (NM_001202504.1); c.1290G>A, p.Ala430= (NM_001318511.2, NM_048368.4).
Identifiers: ClinVar variation 3053200 (VCV003053200.2), dbSNP rs769938798, ClinGen allele CA9010270.

ClinVar aggregate classification (germline): Likely benign (0 of 4 stars; one submission).

Conditions:
CTDP1-related disorder. Also called: CTDP1-related condition.

Allele frequency attached by ClinVar (database versions not stated): TOPMed 0.00002; ExAC 0.00003.
gnomAD v4.1: 53 of 1,601,210 alleles (0.0033%); highest among the groups gnomAD compares: East Asian, 0.0045%; no homozygotes.

Submission:

PreventionGenetics, part of Exact Sciences
Classification: Likely benign for CTDP1-related condition. Last evaluated: 2019-08-15. Review status: no assertion criteria provided. Collection method: clinical testing. Allele origin: germline.
Comment: This variant is classified as likely benign based on ACMG/AMP sequence variant interpretation guidelines (Richards et al. 2015 PMID: 25741868, with internal and published modifications).